The following is an entry in ClinVar:

NM_001023570.4(IQCB1):c.394-1G>A

Gene: IQCB1 (IQ motif containing B1; minus strand). Cytogenetic location: 3q13.33.
Variant type: single nucleotide variant.
Coding change: c.394-1G>A on transcript NM_001023570.4 (MANE Select); the canonical splice acceptor site of the intron before coding-DNA position 394, G replaced by A.
Molecular consequence: splice acceptor variant.
Genome position (GRCh38, 1-based): chr3:121,809,010, C>T on the plus strand (G>A on the coding strand, the complement: IQCB1 is on the minus strand). VCF-style: chr3-121809010-C-T. GRCh37 (hg19) VCF-style: chr3-121527857-C-T.
Other names: c.394-1G>A (NM_001319107.2, NM_001023571.4).
Identifiers: ClinVar variation 2203410 (VCV002203410.5), dbSNP rs768014052, ClinGen allele CA2567430.

ClinVar aggregate classification (germline): Likely pathogenic (1 of 4 stars; one submission).

Conditions:
Nephronophthisis. Also called: Juvenile Nephronophthisis. Identifiers: Orphanet 655, MedGen C0687120, MONDO:0019005, HP:0000090.

Allele frequency attached by ClinVar (database versions not stated): ExAC 0.00001.

Submissions (2):

Labcorp Genetics (formerly Invitae), Labcorp
Classification: Likely pathogenic for Nephronophthisis. Last evaluated: 2022-01-31. Review status: criteria provided, single submitter. Criteria: Invitae Variant Classification Sherloc (09022015). Collection method: clinical testing. Allele origin: germline.
Comment: In summary, the currently available evidence indicates that the variant is pathogenic, but additional data are needed to prove that conclusively. Therefore, this variant has been classified as Likely Pathogenic. Algorithms developed to predict the effect of sequence changes on RNA splicing suggest that this variant may disrupt the consensus splice site. Disruption of this splice site has been observed in individual(s) with Leber congenital amaurosis (PMID: 29186038). This variant is present in population databases (rs768014052, gnomAD 0.006%). This sequence change affects an acceptor splice site in intron 5 of the IQCB1 gene. It is expected to disrupt RNA splicing. Variants that disrupt the donor or acceptor splice site typically lead to a loss of protein function (PMID: 16199547), and loss-of-function variants in IQCB1 are known to be pathogenic (PMID: 15723066, 21901789, 23559409, 28041643).

Dr. Peter K. Rogan Lab, Western University
No classification provided (evidence only). Condition: Melanoma. Review status: no classification provided. Collection method: in vitro. Allele origin: not applicable. Functional consequence: skipped exon. Not counted in ClinVar's aggregate classification.

Literature cited by the submitters: PubMed 29186038 (cited by Labcorp Genetics (formerly Invitae), Labcorp); PubMed 16199547 (cited by Labcorp Genetics (formerly Invitae), Labcorp); PubMed 15723066 (cited by Labcorp Genetics (formerly Invitae), Labcorp); PubMed 21901789 (cited by Labcorp Genetics (formerly Invitae), Labcorp); PubMed 23559409 (cited by Labcorp Genetics (formerly Invitae), Labcorp); PubMed 28041643 (cited by Labcorp Genetics (formerly Invitae), Labcorp).